The following is an entry in ClinVar:

ClinVar aggregate classification (germline): Pathogenic (1 of 4 stars; one submission).

Conditions:
Inborn genetic diseases. Identifiers: MedGen C0950123, MeSH D030342.

Submission:

Ambry Genetics
Classification: Pathogenic for Inborn genetic diseases. Last evaluated: 2023-04-03. Review status: criteria provided, single submitter. Criteria: Ambry Variant Classification Scheme 2023. Collection method: clinical testing. Allele origin: germline.
Comment: The p.T142A pathogenic mutation (also known as c.424A>G), located in coding exon 3 of the EEF1A2 gene, results from an A to G substitution at nucleotide position 424. The threonine at codon 142 is replaced by alanine, an amino acid with similar properties. It also occurred de novo in an individual with intellectual disability and epilepsy (Bristol Genetics Laboratory, personal communication). This amino acid position is highly conserved in available vertebrate species. This missense alteration is located in a region that has a low rate of benign missense variation (Lek M et al. Nature. 2016 Aug 18;536(7616):285-91; DECIPHER: Database of Chromosomal Imbalance and Phenotype in Humans using Ensembl Resources. Firth H.V. et al. 2009. Am.J.Hum.Genet. 84, 524-533 (DOI)). In addition, the in silico prediction for this alteration is inconclusive. Based on the supporting evidence, this alteration is interpreted as a disease-causing mutation.

NM_001958.5(EEF1A2):c.424A>G (p.Thr142Ala)

Genes: EEF1A2 (eukaryotic translation elongation factor 1 alpha 2; minus strand), LOC132090595 (Neanderthal introgressed variant-containing enhancer experimental_60987; plus strand). Cytogenetic location: 20q13.33.
Variant type: single nucleotide variant.
Coding change: c.424A>G on transcript NM_001958.5 (MANE Select); coding-DNA position 424, A replaced by G.
Protein change: p.Thr142Ala; replaces threonine 142 with alanine.
Molecular consequence: missense variant.
Genome position (GRCh38, 1-based): chr20:63,495,002, T>C on the plus strand (A>G on the coding strand, the complement: EEF1A2 is on the minus strand). VCF-style: chr20-63495002-T-C. GRCh37 (hg19) VCF-style: chr20-62126355-T-C.
Other names: short protein forms T142A.
Identifiers: ClinVar variation 588898 (VCV000588898.7), dbSNP rs1568997118, ClinGen allele CA409650139.